The following is an entry in ClinVar:

NM_007078.3(LDB3):c.1231+19G>A

Gene: LDB3 (LIM domain binding 3; plus strand). Cytogenetic location: 10q23.2.
Variant type: single nucleotide variant.
Coding change: c.1231+19G>A on transcript NM_007078.3 (MANE Select); 19 bases into the intron after coding-DNA position 1231, G replaced by A.
Molecular consequence: intron variant.
Genome position (GRCh38, 1-based): chr10:86,710,069, G>A. VCF-style: chr10-86710069-G-A. GRCh37 (hg19) VCF-style: chr10-88469826-G-A.
Other names: c.1042+19G>A (NM_001368064.1, NM_001368065.1); c.1246+19G>A (NM_001171610.2); c.1090+19G>A (NM_001368066.1); c.901+19G>A (NM_001080114.2).
Identifiers: ClinVar variation 201841 (VCV000201841.11), dbSNP rs763969244, ClinGen allele CA308607.

ClinVar aggregate classification (germline): Benign/Likely benign. Review status: criteria provided, multiple submitters, no conflicts (2 of 4 stars). 4 submissions from 4 submitters: Benign (1); Likely benign (3). Last evaluated 2026-01-07.

Conditions:
Dilated cardiomyopathy 1C (CMD1C). Also called: CARDIOMYOPATHY, DILATED, 1C, WITH OR WITHOUT LEFT VENTRICULAR NONCOMPACTION; Cardiomyopathy, dilated, 1C, with or without LVNC. Identifiers: Orphanet 154, Orphanet 54260, MedGen C1832244, MONDO:0011094, OMIM 601493.
Myofibrillar myopathy 4. Also called: Zaspopathy (type). Identifiers: Orphanet 98912, MedGen C4721886, MONDO:0012277, OMIM 609452.

Allele frequency attached by ClinVar (database versions not stated): TOPMed 0.00003; gnomAD exomes 0.00006 and 0.00003; ExAC 0.00001; gnomAD 0.00006 and 0.00005.
gnomAD v4.1: 91 of 1,611,264 alleles (0.0056%); highest among the groups gnomAD compares: Admixed American, 0.0083%; no homozygotes.

Submissions (4):

Labcorp Genetics (formerly Invitae), Labcorp
Classification: Likely benign for Myofibrillar myopathy 4. Last evaluated: 2026-01-07. Review status: criteria provided, single submitter. Criteria: Invitae Variant Classification Sherloc (09022015). Collection method: clinical testing. Allele origin: germline.

Blueprint Genetics
Classification: Likely benign. Last evaluated: 2024-01-12. Review status: criteria provided, single submitter. Criteria: ACMG Guidelines, 2015. Collection method: clinical testing. Allele origin: germline.

Fulgent Genetics
Classification: Likely benign for Dilated cardiomyopathy 1C; Myofibrillar myopathy 4. Last evaluated: 2021-09-29. Review status: criteria provided, single submitter. Criteria: ACMG Guidelines, 2015. Collection method: clinical testing. Allele origin: unknown.

GeneDx
Classification: Benign. Last evaluated: 2014-08-27. Review status: criteria provided, single submitter. Criteria: GeneDx Variant Classification (06012015). Collection method: clinical testing. Allele origin: germline. Affected: yes.
Comment: This variant is considered likely benign or benign based on one or more of the following criteria: it is a conservative change, it occurs at a poorly conserved position in the protein, it is predicted to be benign by multiple in silico algorithms, and/or has population frequency not consistent with disease.